The following is an entry in ClinVar:

ClinVar aggregate classification (germline): Pathogenic (1 of 4 stars; one submission).

Conditions:
Duchenne muscular dystrophy (DMD). Also called: Duchenne Muscular Dystrophy (DMD); MUSCULAR DYSTROPHY, PSEUDOHYPERTROPHIC PROGRESSIVE, DUCHENNE TYPE. Identifiers: Orphanet 98896, MedGen C0013264, MONDO:0010679, OMIM 310200.

Submission:

Labcorp Genetics (formerly Invitae), Labcorp
Classification: Pathogenic for Duchenne muscular dystrophy. Last evaluated: 2022-04-26. Review status: criteria provided, single submitter. Criteria: Invitae Variant Classification Sherloc (09022015). Collection method: clinical testing. Allele origin: germline.
Comment: This variant results in the deletion of exons 8-41 and part of 42 (c.649+25766_6010del) of the DMD gene. It is expected to disrupt RNA splicing. Variants that disrupt the donor or acceptor splice site typically lead to a loss of protein function (PMID: 16199547), and loss-of-function variants in DMD are known to be pathogenic (PMID: 16770791, 25007885). This variant has not been reported in the literature in individuals affected with DMD-related conditions. This variant disrupts a region of the DMD protein in which other variant(s) (Deletion (Exon 13)) have been determined to be pathogenic (PMID: 18353051, 22379338, 28116794, 28610567). This suggests that this is a clinically significant region of the protein, and that variants that disrupt it are likely to be disease-causing. For these reasons, this variant has been classified as Pathogenic.

Literature cited by the submitters: PubMed 16199547; PubMed 16770791; PubMed 25007885; PubMed 18353051; PubMed 22379338; PubMed 28116794; PubMed 28610567.

NC_000023.10:g.(?_32328306)_(32801844_?)del

Gene: DMD (dystrophin; minus strand). Cytogenetic location: Xp21.1.
Variant type: Deletion.
Identifiers: ClinVar variation 2425010 (VCV002425010.3).